The following is an entry in ClinVar:

ClinVar aggregate classification (germline): Uncertain significance (1 of 4 stars; one submission).

gnomAD v4.1: 10 of 1,613,700 alleles (0.00062%); highest among the groups gnomAD compares: East Asian, 0.0022%; no homozygotes.

Submission:

Labcorp Genetics (formerly Invitae), Labcorp
Classification: Uncertain significance. Last evaluated: 2025-02-12. Review status: criteria provided, single submitter. Criteria: Invitae Variant Classification Sherloc (09022015). Collection method: clinical testing. Allele origin: germline.
Comment: This sequence change replaces glycine, which is neutral and non-polar, with arginine, which is basic and polar, at codon 56 of the OSBPL2 protein (p.Gly56Arg). This variant is present in population databases (rs375520271, gnomAD 0.007%). This variant has not been reported in the literature in individuals affected with OSBPL2-related conditions. An algorithm developed to predict the effect of missense changes on protein structure and function (PolyPhen-2) suggests that this variant is likely to be disruptive. In summary, the available evidence is currently insufficient to determine the role of this variant in disease. Therefore, it has been classified as a Variant of Uncertain Significance.

NM_144498.4(OSBPL2):c.166G>A (p.Gly56Arg)

Gene: OSBPL2 (oxysterol binding protein like 2; plus strand). Cytogenetic location: 20q13.33.
Variant type: single nucleotide variant.
Coding change: c.166G>A on transcript NM_144498.4 (MANE Select); coding-DNA position 166, G replaced by A.
Protein change: p.Gly56Arg; replaces glycine 56 with arginine.
Molecular consequence: missense variant. On other transcripts: 5 prime UTR variant (1), intron variant (1).
Genome position (GRCh38, 1-based): chr20:62,260,109, G>A. VCF-style: chr20-62260109-G-A. GRCh37 (hg19) VCF-style: chr20-60835165-G-A.
Other names: c.-201G>A (NM_001363878.2); c.130G>A, p.Gly44Arg (NM_014835.5); c.-184-3507G>A (NM_001278649.3); short protein forms G44R, G56R.
Identifiers: ClinVar variation 4696208 (VCV004696208.1).